The following is an entry in ClinVar:

NM_000901.5(NR3C2):c.1462G>A (p.Gly488Arg)

Gene: NR3C2 (nuclear receptor subfamily 3 group C member 2; minus strand). Cytogenetic location: 4q31.23.
Variant type: single nucleotide variant.
Coding change: c.1462G>A on transcript NM_000901.5 (MANE Select); coding-DNA position 1462, G replaced by A.
Protein change: p.Gly488Arg; replaces glycine 488 with arginine.
Molecular consequence: missense variant. On other transcripts: non-coding transcript variant (1).
Genome position (GRCh38, 1-based): chr4:148,435,399, C>T on the plus strand (G>A on the coding strand, the complement: NR3C2 is on the minus strand). VCF-style: chr4-148435399-C-T. GRCh37 (hg19) VCF-style: chr4-149356551-C-T.
Other names: p.Gly488Arg; c.1462G>A, p.Gly488Arg (NM_001166104.2, NM_001354819.1); short protein forms G488R.
Identifiers: ClinVar variation 2222827 (VCV002222827.5), dbSNP rs374732530, ClinGen allele CA3100306.

ClinVar aggregate classification (germline): Uncertain significance. Review status: criteria provided, multiple submitters, no conflicts (2 of 4 stars). 3 submissions from 3 submitters: Uncertain significance (3). Last evaluated 2025-11-17.

Conditions:
Inborn genetic diseases. Identifiers: MedGen C0950123, MeSH D030342.

Allele frequency attached by ClinVar (database versions not stated): gnomAD 0.00003; TOPMed 0.00005; ExAC 0.00007; gnomAD exomes 0.00007; ESP Exome Variant Server 0.00015.
gnomAD v4.1: 105 of 1,613,908 alleles (0.0065%); highest among the groups gnomAD compares: Middle Eastern, 0.033%; no homozygotes.

Submissions (3):

Mayo Clinic Laboratories, Mayo Clinic
Classification: Uncertain significance. Last evaluated: 2025-11-17. Review status: criteria provided, single submitter. Criteria: ACMG Guidelines, 2015. Collection method: clinical testing. Allele origin: germline. Observed: 1 variant allele.

Labcorp Genetics (formerly Invitae), Labcorp
Classification: Uncertain significance. Last evaluated: 2025-09-27. Review status: criteria provided, single submitter. Criteria: Invitae Variant Classification Sherloc (09022015). Collection method: clinical testing. Allele origin: germline.
Comment: This sequence change replaces glycine, which is neutral and non-polar, with arginine, which is basic and polar, at codon 488 of the NR3C2 protein (p.Gly488Arg). This variant is present in population databases (rs374732530, gnomAD 0.01%). This variant has not been reported in the literature in individuals affected with NR3C2-related conditions. ClinVar contains an entry for this variant (Variation ID: 2222827). Invitae Evidence Modeling of protein sequence and biophysical properties (such as structural, functional, and spatial information, amino acid conservation, physicochemical variation, residue mobility, and thermodynamic stability) indicates that this missense variant is not expected to disrupt NR3C2 protein function with a negative predictive value of 80%. In summary, the available evidence is currently insufficient to determine the role of this variant in disease. Therefore, it has been classified as a Variant of Uncertain Significance.

Ambry Genetics
Classification: Uncertain significance for Inborn genetic diseases. Last evaluated: 2022-11-09. Review status: criteria provided, single submitter. Criteria: Ambry Variant Classification Scheme 2023. Collection method: clinical testing. Allele origin: germline.